The following is an entry in ClinVar:

NM_002637.4(PHKA1):c.2091C>A (p.Cys697Ter)

Gene: PHKA1 (phosphorylase kinase regulatory subunit alpha 1; minus strand). Cytogenetic location: Xq13.1.
Variant type: single nucleotide variant.
Coding change: c.2091C>A on transcript NM_002637.4 (MANE Select); coding-DNA position 2091, C replaced by A.
Protein change: p.Cys697Ter; replaces cysteine 697 with a stop codon.
Molecular consequence: nonsense. On other transcripts: intron variant (2).
Genome position (GRCh38, 1-based): chrX:72,620,771, G>T on the plus strand (C>A on the coding strand, the complement: PHKA1 is on the minus strand). VCF-style: chrX-72620771-G-T. GRCh37 (hg19) VCF-style: chrX-71840621-G-T.
Other names: c.2091C>A, p.Cys697Ter (NM_001122670.2, NM_001431068.1, NM_001440787.1); c.1961-1466C>A (NM_001440788.1, NM_001172436.2); short protein forms C697*.
Identifiers: ClinVar variation 4887752 (VCV004887752.2).

ClinVar aggregate classification (germline): Conflicting classifications of pathogenicity. Review status: criteria provided, conflicting classifications (1 of 4 stars). 2 submissions from 2 submitters: Pathogenic (1); Uncertain significance (1). Last evaluated 2026-08-06.

Conditions:
Glycogen storage disease IXd (GSD9D). Also called: GSD IXd; Muscle Phosphorylase Kinase Deficiency. Identifiers: Orphanet 715, MedGen C1845151, MONDO:0010362, OMIM 300559.
Glycogen phosphorylase kinase deficiency. Also called: Phosphorylase Kinase Deficiency; Glycogen Storage Disease Type IX. Identifiers: Orphanet 370, MedGen C0268147, MONDO:0700291.

gnomAD v4.1: 6 of 1,207,860 alleles (0.0005%); highest among the groups gnomAD compares: Non-Finnish European, 0.00056%; no homozygotes.

Submissions (2):

OLLIN Analises Genomicas, OLLIN
Classification: Uncertain significance for Glycogen storage disease IXd. Last evaluated: 2026-08-06. Review status: criteria provided, single submitter. Criteria: ACMG Guidelines 2015 PMID 25741868. Collection method: clinical testing. Allele origin: germline.
Comment: This nonsense variant, located in exon 19 (of 32), has been observed in gnomAD with an allele frequency of 0.0005%, but has not been reported in ClinVar or identified in the literature. This variant introduces a premature stop codon, which is predicted to result in either a truncated protein or degradation of the mRNA via nonsense-mediated decay (NMD). According to the currently available evidence, this variant has been classified as uncertain significance (PVS1).

Women's Health and Genetics/Laboratory Corporation of America, LabCorp
Classification: Pathogenic for Glycogen phosphorylase kinase deficiency. Last evaluated: 2026-06-22. Review status: criteria provided, single submitter. Criteria: LabCorp Variant Classification Summary - May 2015. Collection method: clinical testing. Allele origin: germline.
Comment: Variant summary: PHKA1 c.2091C>A (p.Cys697X) results in a premature termination codon, predicted to cause a truncation of the encoded protein or absence of the protein due to nonsense mediated decay, which are commonly known mechanisms for disease. The variant allele was found at a frequency of 5.5e-06 in 183020 control chromosomes. To our knowledge, no occurrence of c.2091C>A in individuals affected with PHKA1-related conditions and no experimental evidence demonstrating its impact on protein function have been reported. No submitters have cited clinical-significance assessments for this variant to ClinVar. Based on the evidence outlined above, the variant was classified as pathogenic.